The following is an entry in ClinVar:

NM_001042492.3(NF1):c.289-6T>G

Gene: NF1 (neurofibromin 1; plus strand). Cytogenetic location: 17q11.2.
Variant type: single nucleotide variant.
Coding change: c.289-6T>G on transcript NM_001042492.3 (MANE Select); 6 bases into the intron before coding-DNA position 289, T replaced by G.
Molecular consequence: intron variant.
Genome position (GRCh38, 1-based): chr17:31,163,180, T>G. VCF-style: chr17-31163180-T-G. GRCh37 (hg19) VCF-style: chr17-29490198-T-G.
Other names: c.289-6T>G (NM_000267.4, NM_001128147.3).
Identifiers: ClinVar variation 873034 (VCV000873034.3), dbSNP rs757074803, ClinGen allele CA1139665353.

ClinVar aggregate classification (germline): Pathogenic/Likely pathogenic. Review status: criteria provided, multiple submitters, no conflicts (2 of 4 stars). 2 submissions from 2 submitters: Pathogenic (1); Likely pathogenic (1). Last evaluated 2023-09-11.

Conditions:
Neurofibromatosis, type 1 (NF1). Also called: Peripheral type neurofibromatosis; Neurofibromatosis, type I; VON RECKLINGHAUSEN DISEASE; NEUROFIBROMATOSIS, TYPE I, SOMATIC. Identifiers: Orphanet 636, MedGen C0027831, MONDO:0018975, OMIM 162200. Disease mechanism: loss of function.

Submissions (2):

GeneDx
Classification: Likely pathogenic. Last evaluated: 2023-09-11. Review status: criteria provided, single submitter. Criteria: GeneDx Variant Classification Process June 2021. Collection method: clinical testing. Allele origin: germline. Affected: yes.
Comment: Published functional studies demonstrate a damaging effect: aberrant splicing expected to lead to out-of-frame transcripts (Wimmer et al., 2020); Observed in a patient who had molecular testing for NF1 completed; however, clinical information was not provided (Wimmer et al., 2020); In silico analysis supports a deleterious effect on splicing; Not observed at significant frequency in large population cohorts (gnomAD); This variant is associated with the following publications: (PMID: 32126153)

Institute of Human Genetics, Medical University Innsbruck
Classification: Pathogenic for Neurofibromatosis, type 1. Last evaluated: 2020-01-20. Review status: criteria provided, single submitter. Criteria: ACMG Guidelines, 2015. Collection method: clinical testing. Allele origin: germline. Affected: yes.

Literature cited by the submitters: DOI 10.1002/humu.24005 (cited by Institute of Human Genetics, Medical University Innsbruck).